The following is an entry in ClinVar:

ClinVar aggregate classification (germline): Uncertain significance (1 of 4 stars; one submission).

Conditions:
NPHP4-related disorder. Also called: NPHP4-related condition; NPHP4-related disorders. Identifiers: MedGen CN239384.

gnomAD v4.1: 1 of 1,612,530 alleles (0.000062%); highest among the groups gnomAD compares: Non-Finnish European, 0.000085%; no homozygotes.

Submission:

PreventionGenetics, part of Exact Sciences
Classification: Uncertain significance for NPHP4-related condition. Last evaluated: 2025-05-05. Review status: criteria provided, single submitter. Criteria: ACMG Guidelines, 2015. Collection method: clinical testing. Allele origin: germline.
Comment: The NPHP4 c.2480A>G variant is predicted to result in the amino acid substitution p.Asn827Ser. To our knowledge, this variant has not been reported in the literature or in a large population database (gnomAD), indicating this variant is rare. At this time, the clinical significance of this variant is uncertain due to the absence of conclusive functional and genetic evidence.

NM_015102.5(NPHP4):c.2480A>G (p.Asn827Ser)

Gene: NPHP4 (nephrocystin 4; minus strand). Cytogenetic location: 1p36.31.
Variant type: single nucleotide variant.
Coding change: c.2480A>G on transcript NM_015102.5 (MANE Select); coding-DNA position 2480, A replaced by G.
Protein change: p.Asn827Ser; replaces asparagine 827 with serine.
Molecular consequence: missense variant. On other transcripts: non-coding transcript variant (1).
Genome position (GRCh38, 1-based): chr1:5,887,291, T>C on the plus strand (A>G on the coding strand, the complement: NPHP4 is on the minus strand). VCF-style: chr1-5887291-T-C. GRCh37 (hg19) VCF-style: chr1-5947351-T-C.
Other names: c.941A>G, p.Asn314Ser (NM_001291593.2); c.944A>G, p.Asn315Ser (NM_001291594.2); short protein forms N315S, N314S, N827S.
Identifiers: ClinVar variation 4985373 (VCV004985373.1).